The following is an entry in ClinVar:

ClinVar aggregate classification (germline): Uncertain significance. Review status: criteria provided, multiple submitters, no conflicts (2 of 4 stars). 4 submissions from 4 submitters: Uncertain significance (4). Last evaluated 2025-03-27.

Conditions:
Inborn genetic diseases. Identifiers: MedGen C0950123, MeSH D030342.
Spastic paraplegia. Identifiers: MedGen C0037772, HP:0001258.
Intellectual developmental disorder, X-linked, syndromic, Claes-Jensen type. Also called: INTELLECTUAL DEVELOPMENTAL DISORDER, X-LINKED, SYNDROMIC 16; MENTAL RETARDATION, X-LINKED, SYNDROMIC 16; Syndromic X-linked intellectual disability Claes-Jensen type. Identifiers: Orphanet 85279, MedGen C1845243, MONDO:0010355, OMIM 300534.

gnomAD v4.1: 26 of 1,211,645 alleles (0.0021%); highest among the groups gnomAD compares: Admixed American, 0.0043%; no homozygotes.

Submissions (4):

GeneDx
Classification: Uncertain significance. Last evaluated: 2025-03-27. Review status: criteria provided, single submitter. Criteria: GeneDx Variant Classification Process June 2021. Collection method: clinical testing. Allele origin: germline. Affected: yes.
Comment: In silico analysis supports that this missense variant does not alter protein structure/function; Has not been previously published as pathogenic or benign to our knowledge

Labcorp Genetics (formerly Invitae), Labcorp
Classification: Uncertain significance for Spastic paraplegia. Last evaluated: 2022-05-06. Review status: criteria provided, single submitter. Criteria: Invitae Variant Classification Sherloc (09022015). Collection method: clinical testing. Allele origin: germline.
Comment: In summary, the available evidence is currently insufficient to determine the role of this variant in disease. Therefore, it has been classified as a Variant of Uncertain Significance. Advanced modeling of protein sequence and biophysical properties (such as structural, functional, and spatial information, amino acid conservation, physicochemical variation, residue mobility, and thermodynamic stability) performed at Invitae indicates that this missense variant is not expected to disrupt KDM5C protein function. This variant has not been reported in the literature in individuals affected with KDM5C-related conditions. This variant is present in population databases (rs781820680, gnomAD 0.004%). This sequence change replaces proline, which is neutral and non-polar, with threonine, which is neutral and polar, at codon 1321 of the KDM5C protein (p.Pro1321Thr).

Ambry Genetics
Classification: Uncertain significance for Inborn genetic diseases. Last evaluated: 2021-06-23. Review status: criteria provided, single submitter. Criteria: Ambry Variant Classification Scheme 2023. Collection method: clinical testing. Allele origin: germline.

Victorian Clinical Genetics Services, Murdoch Childrens Research Institute
Classification: Uncertain significance for Intellectual developmental disorder, X-linked, syndromic, Claes-Jensen type. Last evaluated: 2019-08-28. Review status: criteria provided, single submitter. Criteria: ACMG Guidelines, 2015. Collection method: clinical testing. Allele origin: germline. Inheritance: X-linked recessive inheritance. Affected: yes.
Comment: A hemizygous missense variant was identified, NM_004187.3(KDM5C):c.3961C>A in exon 23 of 26 of the KDM5C gene. This substitution is predicted to create a minor amino acid change from proline to threonine at position 1321 of the protein, NP_004178.2(KDM5C):p.(Pro1321Thr). The proline at this position has low conservation (100 vertebrates, UCSC), and is not situated in a known functional domain. In silico software predicts this variant to be benign (Polyphen, SIFT, CADD, Mutation Taster). The variant is present in the gnomAD population database at a frequency of 0.002% (3 heterozygotes, 0 homozygotes, 0 hemizygotes). An alternative residue change at the same location has been reported in the gnomAD database at a frequency of 0.0006%. The variant has not been previously reported in clinical cases. Based on information available at the time of curation, this variant has been classified as a VARIANT of UNCERTAIN SIGNIFICANCE (VUS) with LOW CLINICAL RELEVANCE.

NM_004187.5(KDM5C):c.3961C>A (p.Pro1321Thr)

Gene: KDM5C (lysine demethylase 5C; minus strand). Cytogenetic location: Xp11.22.
Variant type: single nucleotide variant.
Coding change: c.3961C>A on transcript NM_004187.5 (MANE Select); coding-DNA position 3961, C replaced by A.
Protein change: p.Pro1321Thr; replaces proline 1321 with threonine.
Molecular consequence: missense variant. On other transcripts: non-coding transcript variant (3).
Genome position (GRCh38, 1-based): chrX:53,194,216, G>T on the plus strand (C>A on the coding strand, the complement: KDM5C is on the minus strand). VCF-style: chrX-53194216-G-T. GRCh37 (hg19) VCF-style: chrX-53223398-G-T.
Other names: c.3961C>A (NM_004187.2); c.3760C>A, p.Pro1254Thr (NM_001146702.2); c.3958C>A, p.Pro1320Thr (NM_001282622.3, NM_001353979.2, NM_001353982.2); c.3961C>A, p.Pro1321Thr (NM_001353978.3, NM_001353981.2, NM_001353984.2); short protein forms P1254T, P1320T, P1321T.
Identifiers: ClinVar variation 1806234 (VCV001806234.11), dbSNP rs781820680, ClinGen allele CA10419165.